The following is an entry in ClinVar:

NM_001017980.4(VMA21):c.41C>T (p.Pro14Leu)

Gene: VMA21 (vacuolar ATPase assembly factor VMA21; plus strand). Cytogenetic location: Xq28.
Variant type: single nucleotide variant.
Coding change: c.41C>T on transcript NM_001017980.4 (MANE Select); coding-DNA position 41, C replaced by T.
Protein change: p.Pro14Leu; replaces proline 14 with leucine.
Molecular consequence: missense variant. On other transcripts: intron variant (1).
Genome position (GRCh38, 1-based): chrX:151,397,349, C>T. VCF-style: chrX-151397349-C-T. GRCh37 (hg19) VCF-style: chrX-150565821-C-T.
Other names: c.218+292C>T (NM_001363810.1); short protein forms P14L.
Identifiers: ClinVar variation 533404 (VCV000533404.11), dbSNP rs1412988171, ClinGen allele CA415270825.

ClinVar aggregate classification (germline): Uncertain significance (1 of 4 stars; one submission).

Conditions:
X-linked myopathy with excessive autophagy (AVM). Also called: Vacuolar myopathy; Autophagic vacuolar myopathy. Identifiers: Orphanet 25980, MedGen C1839615, MONDO:0010684, OMIM 310440.

Allele frequency attached by ClinVar (database versions not stated): gnomAD 0.00001; TOPMed 0.00001; gnomAD exomes 0.00002.
gnomAD v4.1: 18 of 1,161,719 alleles (0.0015%); highest among the groups gnomAD compares: Non-Finnish European, 0.0018%; no homozygotes.

Submission:

Labcorp Genetics (formerly Invitae), Labcorp
Classification: Uncertain significance for X-linked myopathy with excessive autophagy. Last evaluated: 2022-08-15. Review status: criteria provided, single submitter. Criteria: Invitae Variant Classification Sherloc (09022015). Collection method: clinical testing. Allele origin: germline.
Comment: ClinVar contains an entry for this variant (Variation ID: 533404). This variant has not been reported in the literature in individuals affected with VMA21-related conditions. This variant is not present in population databases (gnomAD no frequency). This sequence change replaces proline, which is neutral and non-polar, with leucine, which is neutral and non-polar, at codon 14 of the VMA21 protein (p.Pro14Leu). Algorithms developed to predict the effect of missense changes on protein structure and function output the following: SIFT: "Not Available"; PolyPhen-2: "Benign"; Align-GVGD: "Not Available". The leucine amino acid residue is found in multiple mammalian species, which suggests that this missense change does not adversely affect protein function. In summary, the available evidence is currently insufficient to determine the role of this variant in disease. Therefore, it has been classified as a Variant of Uncertain Significance.